The following is an entry in ClinVar:

ClinVar aggregate classification (germline): Uncertain significance. Review status: criteria provided, multiple submitters, no conflicts (2 of 4 stars). 2 submissions from 2 submitters: Uncertain significance (2). Last evaluated 2024-03-27.

Allele frequency attached by ClinVar (database versions not stated): ExAC 0.00001; gnomAD exomes 0.00001 and 0.00002.
gnomAD v4.1: 29 of 1,613,826 alleles (0.0018%); highest among the groups gnomAD compares: Middle Eastern, 0.033%; no homozygotes.

Submissions (2):

Blueprint Genetics
Classification: Uncertain significance. Last evaluated: 2024-03-27. Review status: criteria provided, single submitter. Criteria: ACMG Guidelines, 2015. Collection method: clinical testing. Allele origin: germline.

Labcorp Genetics (formerly Invitae), Labcorp
Classification: Uncertain significance. Last evaluated: 2023-08-04. Review status: criteria provided, single submitter. Criteria: Invitae Variant Classification Sherloc (09022015). Collection method: clinical testing. Allele origin: germline.
Comment: ClinVar contains an entry for this variant (Variation ID: 1390396). This variant has not been reported in the literature in individuals affected with MYO15A-related conditions. This variant is present in population databases (rs774679988, gnomAD 0.002%). This sequence change replaces threonine, which is neutral and polar, with serine, which is neutral and polar, at codon 2785 of the MYO15A protein (p.Thr2785Ser). Advanced modeling of protein sequence and biophysical properties (such as structural, functional, and spatial information, amino acid conservation, physicochemical variation, residue mobility, and thermodynamic stability) performed at Invitae indicates that this missense variant is not expected to disrupt MYO15A protein function. In summary, the available evidence is currently insufficient to determine the role of this variant in disease. Therefore, it has been classified as a Variant of Uncertain Significance.

NM_016239.4(MYO15A):c.8354C>G (p.Thr2785Ser)

Gene: MYO15A (myosin XVA; plus strand). Cytogenetic location: 17p11.2.
Variant type: single nucleotide variant.
Coding change: c.8354C>G on transcript NM_016239.4 (MANE Select); coding-DNA position 8354, C replaced by G.
Protein change: p.Thr2785Ser; replaces threonine 2785 with serine.
Molecular consequence: missense variant.
Genome position (GRCh38, 1-based): chr17:18,155,327, C>G. VCF-style: chr17-18155327-C-G. GRCh37 (hg19) VCF-style: chr17-18058641-C-G.
Other names: short protein forms T2785S.
Identifiers: ClinVar variation 1390396 (VCV001390396.9), dbSNP rs774679988, ClinGen allele CA8425141.